The following is an entry in ClinVar:

ClinVar aggregate classification (germline): Uncertain significance (1 of 4 stars; one submission).

Conditions:
Isolated microphthalmia 5. Also called: Posterior Microphthalmia with Retinitis Pigmentosa, Foveoschisis, and Optic Disc Drusen. Identifiers: Orphanet 251279, MedGen C1970236, MONDO:0012605, OMIM 611040.

Submission:

Labcorp Genetics (formerly Invitae), Labcorp
Classification: Uncertain significance for Isolated microphthalmia 5. Last evaluated: 2022-09-06. Review status: criteria provided, single submitter. Criteria: Invitae Variant Classification Sherloc (09022015). Collection method: clinical testing. Allele origin: germline.
Comment: Algorithms developed to predict the effect of missense changes on protein structure and function (SIFT, PolyPhen-2, Align-GVGD) all suggest that this variant is likely to be tolerated. In summary, the available evidence is currently insufficient to determine the role of this variant in disease. Therefore, it has been classified as a Variant of Uncertain Significance. Algorithms developed to predict the effect of sequence changes on RNA splicing suggest that this variant may create or strengthen a splice site. ClinVar contains an entry for this variant (Variation ID: 1392479). This variant has not been reported in the literature in individuals affected with MFRP-related conditions. This variant is not present in population databases (gnomAD no frequency). This sequence change replaces proline, which is neutral and non-polar, with alanine, which is neutral and non-polar, at codon 461 of the MFRP protein (p.Pro461Ala).

NM_031433.4(MFRP):c.1381C>G (p.Pro461Ala)

Genes: C1QTNF5 (C1q and TNF related 5; minus strand), MFRP (membrane frizzled-related protein; minus strand). Cytogenetic location: 11q23.3.
Variant type: single nucleotide variant.
Coding change: c.1381C>G on transcript NM_031433.4 (MANE Select); coding-DNA position 1381, C replaced by G.
Protein change: p.Pro461Ala; replaces proline 461 with alanine.
Molecular consequence: missense variant. On other transcripts: 5 prime UTR variant (1).
Genome position (GRCh38, 1-based): chr11:119,342,602, G>C on the plus strand (C>G on the coding strand, the complement: MFRP is on the minus strand). VCF-style: chr11-119342602-G-C. GRCh37 (hg19) VCF-style: chr11-119213312-G-C.
Other names: c.-1256C>G (NM_015645.5); short protein forms P461A.
Identifiers: ClinVar variation 1392479 (VCV001392479.6), dbSNP rs1950513569, ClinGen allele CA382972995.
Genomic context (GRCh38, chr11:119,342,602, plus strand): 5'-TTCTGTGAGGTGGGCACCCAGCCTGCTCAGGGTCCCCAGGGGCAGGCTTCTCACCTGGGG[G>C]TGGGAACAAGGGGCCGCTGCAGTTGTCATCGCTGCCATCGGTGCAGTCTCTCCACATGTC-3'
Protein context (NP_113621.1, residues 451-471): DDNCSGPLFP[Pro461Ala]PELACEPVQV